The following is an entry in ClinVar:

NM_138459.5(NUS1):c.75G>C (p.Trp25Cys)

Gene: NUS1 (NUS1 dehydrodolichyl diphosphate synthase subunit; plus strand). Cytogenetic location: 6q22.1.
Variant type: single nucleotide variant.
Coding change: c.75G>C on transcript NM_138459.5 (MANE Select); coding-DNA position 75, G replaced by C.
Protein change: p.Trp25Cys; replaces tryptophan 25 with cysteine.
Molecular consequence: missense variant.
Genome position (GRCh38, 1-based): chr6:117,675,745, G>C. VCF-style: chr6-117675745-G-C. GRCh37 (hg19) VCF-style: chr6-117996908-G-C.
Other names: short protein forms W25C.
Identifiers: ClinVar variation 1029129 (VCV001029129.10), dbSNP rs774553541, ClinGen allele CA3977071.
Genomic context (GRCh38, chr6:117,675,745, plus strand): 5'-CGAGCTGGTGTGGCGGGTGCTGCACGCGCTGCTCTGTCTGCACCGCACGCTCACCTCCTG[G>C]CTCCGCGTTCGGTTCGGCACCTGGAACTGGATCTGGCGGCGCTGCTGCCGCGCCGCCTCT-3'
Protein context (NP_612468.1, residues 15-35): LLCLHRTLTS[Trp25Cys]LRVRFGTWNW

ClinVar aggregate classification (germline): Uncertain significance. Review status: criteria provided, multiple submitters, no conflicts (2 of 4 stars). 4 submissions from 4 submitters: Uncertain significance (4). Last evaluated 2025-07-14.

Conditions:
Congenital disorder of glycosylation, type Iaa. Also called: Congenital disorder of glycosylation, type 1aa. Identifiers: MedGen C4310727, MONDO:0014904, OMIM 617082.

Allele frequency attached by ClinVar (database versions not stated): ExAC below 0.00001; gnomAD exomes 0.00001; gnomAD 0.00002; TOPMed 0.00002.
gnomAD v4.1: 13 of 1,547,360 alleles (0.00084%); highest among the groups gnomAD compares: Middle Eastern, 0.023%; no homozygotes.

Submissions (4):

Labcorp Genetics (formerly Invitae), Labcorp
Classification: Uncertain significance for Congenital disorder of glycosylation, type Iaa. Last evaluated: 2025-07-14. Review status: criteria provided, single submitter. Criteria: Invitae Variant Classification Sherloc (09022015). Collection method: clinical testing. Allele origin: germline.
Comment: This sequence change replaces tryptophan, which is neutral and slightly polar, with cysteine, which is neutral and slightly polar, at codon 25 of the NUS1 protein (p.Trp25Cys). This variant is present in population databases (rs774553541, gnomAD 0.002%). This missense change has been observed in individual(s) with clinical features of developmental and epileptic encephalopathy (internal data). ClinVar contains an entry for this variant (Variation ID: 1029129). An algorithm developed to predict the effect of missense changes on protein structure and function (PolyPhen-2) suggests that this variant is likely to be disruptive. In summary, the available evidence is currently insufficient to determine the role of this variant in disease. Therefore, it has been classified as a Variant of Uncertain Significance.

Revvity Omics, Revvity
Classification: Uncertain significance. Last evaluated: 2022-07-11. Review status: criteria provided, single submitter. Criteria: ACMG Guidelines, 2015. Collection method: clinical testing. Allele origin: germline.

Baylor Genetics
Classification: Uncertain significance for Congenital disorder of glycosylation, type Iaa. Last evaluated: 2019-12-07. Review status: criteria provided, single submitter. Criteria: ACMG Guidelines, 2015. Collection method: clinical testing. Allele origin: unknown. Affected: yes.
Comment: This variant was determined to be of uncertain significance according to ACMG Guidelines, 2015 [PMID:25741868].

Breakthrough Genomics
Classification: Uncertain significance. Review status: criteria provided, single submitter. Criteria: ACMG Guidelines, 2015. Collection method: not provided. Allele origin: germline. Inheritance: Autosomal recessive inheritance. Affected: yes.